The following is an entry in ClinVar:

NM_000195.5(HPS1):c.296C>G (p.Thr99Ser)

Gene: HPS1 (HPS1 biogenesis of lysosomal organelles complex 3 subunit 1; minus strand). Cytogenetic location: 10q24.2.
Variant type: single nucleotide variant.
Coding change: c.296C>G on transcript NM_000195.5 (MANE Select); coding-DNA position 296, C replaced by G.
Protein change: p.Thr99Ser; replaces threonine 99 with serine.
Molecular consequence: missense variant. On other transcripts: 5 prime UTR variant (2), intron variant (7).
Genome position (GRCh38, 1-based): chr10:98,435,374, G>C on the plus strand (C>G on the coding strand, the complement: HPS1 is on the minus strand). VCF-style: chr10-98435374-G-C. GRCh37 (hg19) VCF-style: chr10-100195131-G-C.
Other names: c.-621C>G (NM_001311345.2); c.296C>G, p.Thr99Ser (NM_001322476.2, NM_001322477.2, NM_001322478.2 and 5 more transcripts); c.-720C>G (NM_001322487.2); c.29+261C>G (NM_001322483.2, NM_001322485.2, NM_001322484.2); c.255+261C>G (NM_001322480.2, NM_001322482.2, NM_001322481.2); c.-519+261C>G (NM_001322489.2); short protein forms T99S.
Identifiers: ClinVar variation 2825357 (VCV002825357.4), dbSNP rs979872984, ClinGen allele CA212770195.
Genomic context (GRCh38, chr10:98,435,374, plus strand): 5'-TGCACTTCAAACAGGTACTTGAGCACATACAGCTTCCGCCGCAGGTCCCCCTCGCTCTCG[G>C]TGTGGTCACCATTGATGGCAATGAACAGGCATTCTCCAAACTGCAGGCACAGGCAGGCCA-3'
Protein context (NP_000186.2, residues 89-109): CLFIAINGDH[Thr99Ser]ESEGDLRRKL

ClinVar aggregate classification (germline): Uncertain significance. Review status: criteria provided, multiple submitters, no conflicts (2 of 4 stars). 2 submissions from 2 submitters: Uncertain significance (2). Last evaluated 2024-05-19.

Conditions:
Hermansky-Pudlak syndrome 1 (HPS1). Also called: DELTA STORAGE POOL DISEASE. Identifiers: Orphanet 231500, Orphanet 79430, MedGen C2931875, MONDO:0008748, OMIM 203300.

Allele frequency attached by ClinVar (database versions not stated): gnomAD 0.00002.
gnomAD v4.1: 5 of 1,613,798 alleles (0.00031%); highest among the groups gnomAD compares: African/African-American, 0.004%; no homozygotes.

Submissions (2):

Fulgent Genetics
Classification: Uncertain significance for Hermansky-Pudlak syndrome 1. Last evaluated: 2024-05-19. Review status: criteria provided, single submitter. Criteria: ACMG Guidelines, 2015. Collection method: clinical testing. Allele origin: germline.

Labcorp Genetics (formerly Invitae), Labcorp
Classification: Uncertain significance. Last evaluated: 2023-08-30. Review status: criteria provided, single submitter. Criteria: Invitae Variant Classification Sherloc (09022015). Collection method: clinical testing. Allele origin: germline.
Comment: In summary, the available evidence is currently insufficient to determine the role of this variant in disease. Therefore, it has been classified as a Variant of Uncertain Significance. Advanced modeling of protein sequence and biophysical properties (such as structural, functional, and spatial information, amino acid conservation, physicochemical variation, residue mobility, and thermodynamic stability) performed at Invitae indicates that this missense variant is not expected to disrupt HPS1 protein function. This variant has not been reported in the literature in individuals affected with HPS1-related conditions. This variant is present in population databases (no rsID available, gnomAD 0.01%). This sequence change replaces threonine, which is neutral and polar, with serine, which is neutral and polar, at codon 99 of the HPS1 protein (p.Thr99Ser).